The following is an entry in ClinVar:

ClinVar aggregate classification (germline): Uncertain significance (0 of 4 stars; one submission).

Allele frequency attached by ClinVar (database versions not stated): gnomAD exomes below 0.00001.
gnomAD v4.1: 1 of 1,535,860 alleles (0.000065%); highest among the groups gnomAD compares: Non-Finnish European, 0.000087%; no homozygotes.

Submission:

Richard Lifton Laboratory, Yale University School of Medicine
Classification: Uncertain significance. Review status: no assertion criteria provided. Collection method: not provided. Allele origin: somatic.
Comment: ZNF541
ClinVar note: Converted during submission from unknown to Uncertain significance.

NM_001277075.3(ZNF541):c.1608G>A (p.Pro536=)

Gene: ZNF541 (zinc finger protein 541; minus strand). Cytogenetic location: 19q13.33.
Variant type: single nucleotide variant.
Coding change: c.1608G>A on transcript NM_001277075.3 (MANE Select); coding-DNA position 1608, G replaced by A.
Protein change: p.Pro536=; no amino-acid change (proline 536 retained).
Molecular consequence: synonymous variant.
Genome position (GRCh38, 1-based): chr19:47,544,921, C>T on the plus strand (G>A on the coding strand, the complement: ZNF541 is on the minus strand). VCF-style: chr19-47544921-C-T. GRCh37 (hg19) VCF-style: chr19-48048178-C-T.
Identifiers: ClinVar variation 91934 (VCV000091934.2), dbSNP rs386834267, ClinGen allele CA232193.